The following is an entry in ClinVar:

NM_201596.3(CACNB2):c.-31G>A

Gene: CACNB2 (calcium voltage-gated channel auxiliary subunit beta 2; plus strand). Cytogenetic location: 10p12.33.
Variant type: single nucleotide variant.
Coding change: c.-31G>A on transcript NM_201596.3 (MANE Select); 31 bases upstream of the start codon, G replaced by A.
Molecular consequence: 5 prime UTR variant.
Genome position (GRCh38, 1-based): chr10:18,140,706, G>A. VCF-style: chr10-18140706-G-A. GRCh37 (hg19) VCF-style: chr10-18429635-G-A.
Other names: c.-474G>A (NM_001167945.2, NM_201571.4, NM_201572.4); c.-31G>A (NM_201593.3, NM_201597.3).
Identifiers: ClinVar variation 190720 (VCV000190720.3), dbSNP rs370198927, ClinGen allele CA301832.
Genomic context (GRCh38, chr10:18,140,706, plus strand): 5'-AGAGCCGATCAGAGCGCGGGGAGGCGGGGGCGAGGAGGAGGGGACCCGCCGCCGGGGGCT[G>A]GCTGCTTCGCTCCGAGCCGACTTTTCGCCAATGGTCCAAAGGGACATGTCCAAGTCGCCT-3'

ClinVar aggregate classification (germline): Benign (1 of 4 stars; one submission).

Allele frequency attached by ClinVar (database versions not stated): ESP Exome Variant Server 0.00024; gnomAD exomes 0.00018; ExAC 0.00028; TOPMed 0.00029; 1000 Genomes Project 30x 0.00031; gnomAD 0.00032.
gnomAD v4.1: 773 of 1,574,130 alleles (0.049%); highest among the groups gnomAD compares: Non-Finnish European, 0.066%; 1 homozygote.

Submission:

GeneDx
Classification: Benign. Last evaluated: 2014-07-15. Review status: criteria provided, single submitter. Criteria: GeneDx Variant Classification (06012015). Collection method: clinical testing. Allele origin: germline. Affected: yes.
Comment: This variant is considered likely benign or benign based on one or more of the following criteria: it is a conservative change, it occurs at a poorly conserved position in the protein, it is predicted to be benign by multiple in silico algorithms, and/or has population frequency not consistent with disease.